The following is an entry in ClinVar:

ClinVar aggregate classification (germline): Uncertain significance (1 of 4 stars; one submission).

Submission:

GeneDx
Classification: Uncertain significance. Last evaluated: 2025-04-28. Review status: criteria provided, single submitter. Criteria: GeneDx Variant Classification Process June 2021. Collection method: clinical testing. Allele origin: germline. Affected: yes.
Comment: Not observed at significant frequency in large population cohorts (gnomAD); In silico analysis supports that this missense variant has a deleterious effect on protein structure/function; Has not been previously published as pathogenic or benign to our knowledge

NM_004736.4(XPR1):c.914T>C (p.Leu305Pro)

Gene: XPR1 (xenotropic and polytropic retrovirus receptor 1; plus strand). Cytogenetic location: 1q25.3.
Variant type: single nucleotide variant.
Coding change: c.914T>C on transcript NM_004736.4 (MANE Select); coding-DNA position 914, T replaced by C.
Protein change: p.Leu305Pro; replaces leucine 305 with proline.
Molecular consequence: missense variant. On other transcripts: non-coding transcript variant (1).
Genome position (GRCh38, 1-based): chr1:180,824,903, T>C. VCF-style: chr1-180824903-T-C. GRCh37 (hg19) VCF-style: chr1-180794039-T-C.
Other names: c.914T>C, p.Leu305Pro (NM_001135669.2, NM_001328662.2); short protein forms L305P.
Identifiers: ClinVar variation 4527214 (VCV004527214.1).